The following is an entry in ClinVar:

NM_013432.5(TONSL):c.1820A>G (p.Asn607Ser)

Genes: TONSL (tonsoku like, DNA repair protein; minus strand), TONSL-AS1 (TONSL antisense RNA 1; plus strand). Cytogenetic location: 8q24.3.
Variant type: single nucleotide variant.
Coding change: c.1820A>G on transcript NM_013432.5 (MANE Select); coding-DNA position 1820, A replaced by G.
Protein change: p.Asn607Ser; replaces asparagine 607 with serine.
Molecular consequence: missense variant. On other transcripts: non-coding transcript variant (1).
Genome position (GRCh38, 1-based): chr8:144,436,827, T>C on the plus strand (A>G on the coding strand, the complement: TONSL is on the minus strand). VCF-style: chr8-144436827-T-C. GRCh37 (hg19) VCF-style: chr8-145662210-T-C.
Other names: short protein forms N607S.
Identifiers: ClinVar variation 1991074 (VCV001991074.1), dbSNP rs770857596, ClinGen allele CA4943042.

ClinVar aggregate classification (germline): Uncertain significance (1 of 4 stars; one submission).

Allele frequency attached by ClinVar (database versions not stated): gnomAD 0.00001; gnomAD exomes 0.00004; ExAC 0.00006.
gnomAD v4.1: 53 of 1,611,204 alleles (0.0033%); highest among the groups gnomAD compares: South Asian, 0.053%; no homozygotes.

Submission:

Labcorp Genetics (formerly Invitae), Labcorp
Classification: Uncertain significance. Last evaluated: 2022-09-13. Review status: criteria provided, single submitter. Criteria: Invitae Variant Classification Sherloc (09022015). Collection method: clinical testing. Allele origin: germline.
Comment: This sequence change replaces asparagine, which is neutral and polar, with serine, which is neutral and polar, at codon 607 of the TONSL protein (p.Asn607Ser). This variant is present in population databases (rs770857596, gnomAD 0.06%). This variant has not been reported in the literature in individuals affected with TONSL-related conditions. Advanced modeling of protein sequence and biophysical properties (such as structural, functional, and spatial information, amino acid conservation, physicochemical variation, residue mobility, and thermodynamic stability) performed at Invitae indicates that this missense variant is not expected to disrupt TONSL protein function. In summary, the available evidence is currently insufficient to determine the role of this variant in disease. Therefore, it has been classified as a Variant of Uncertain Significance.